The following is an entry in ClinVar:

NM_001267550.2(TTN):c.98506C>T (p.Arg32836Ter)

Genes: TTN (titin; minus strand), TTN-AS1 (TTN antisense RNA 1; plus strand). Cytogenetic location: 2q31.2.
Variant type: single nucleotide variant.
Coding change: c.98506C>T on transcript NM_001267550.2 (MANE Select); coding-DNA position 98506, C replaced by T.
Protein change: p.Arg32836Ter; replaces arginine 32836 with a stop codon.
Molecular consequence: nonsense. On other transcripts: non-coding transcript variant (1).
Genome position (GRCh38, 1-based): chr2:178,539,559, G>A on the plus strand (C>T on the coding strand, the complement: TTN is on the minus strand). VCF-style: chr2-178539559-G-A. GRCh37 (hg19) VCF-style: chr2-179404286-G-A.
Other names: c.98506C>T (NM_001267550.1, LRG_391t1); c.93583C>T, p.Arg31195Ter (NM_001256850.1); c.71311C>T, p.Arg23771Ter (NM_003319.4); c.90802C>T, p.Arg30268Ter (NM_133378.4); c.71686C>T, p.Arg23896Ter (NM_133432.3); c.71887C>T, p.Arg23963Ter (NM_133437.4); short protein forms R32836*, R23771*, R23963*, R23896*, R31195*, R30268*.
Identifiers: ClinVar variation 223329 (VCV000223329.24), dbSNP rs869312085, ClinGen allele CA353281.

ClinVar aggregate classification (germline): Pathogenic/Likely pathogenic. Review status: criteria provided, multiple submitters, no conflicts (2 of 4 stars). 9 submissions from 9 submitters: Pathogenic (5); Likely pathogenic (3). 1 of the submissions does not count toward it. Last evaluated 2025-11-13.

Conditions:
Cardiovascular phenotype. Identifiers: MedGen CN230736.
Dilated cardiomyopathy 1G (CMD1G). Identifiers: Orphanet 154, MedGen C1858763, MONDO:0011400, OMIM 604145.
Autosomal recessive limb-girdle muscular dystrophy type 2J (LGMDR10). Also called: Limb-girdle muscular dystrophy, type 2J; MUSCULAR DYSTROPHY, LIMB-GIRDLE, AUTOSOMAL RECESSIVE 10. Identifiers: Orphanet 140922, MedGen C1837342, MONDO:0012127, OMIM 608807.
Cardiomyopathy (CMYO). Also called: Cardiomyopathies. Identifiers: Orphanet 167848, MedGen C0878544, MONDO:0004994, HP:0001638. Inheritance: Various modes of inheritance.
Primary dilated cardiomyopathy (DCM). Also called: Dilated Cardiomyopathy. Identifiers: Orphanet 217604, MedGen C0007193, MeSH D002311, MONDO:0005021, HP:0001644. Inheritance: Various modes of inheritance.

Allele frequency attached by ClinVar (database versions not stated): TOPMed below 0.00001; gnomAD exomes 0.00001.
gnomAD v4.1: 9 of 1,613,734 alleles (0.00056%); highest among the groups gnomAD compares: South Asian, 0.0011%; no homozygotes.

Submissions (9):

Variantyx, Inc.
Classification: Pathogenic for Dilated cardiomyopathy 1G. Last evaluated: 2025-11-13. Review status: criteria provided, single submitter. Criteria: Variantyx Assertion Criteria 2022. Collection method: clinical testing. Allele origin: germline. Inheritance: Autosomal dominant inheritance. Affected: yes.
Comment: This is a nonsense variant in the TTN gene (OMIM: 188840). Pathogenic variants in this gene have been associated with autosomal dominant dilated cardiomyopathy 1G. This variant is located in the A-band region of titin and introduces a premature termination codon in exon 352 out of 363 and is expected to result in loss of function, which is a known disease mechanism for TTN in this disorder (PMID: 27869827, 33226272) (PVS1). This variant has been reported in at least one affected individuals (PMID: 22335739) (PS4). It has a 0.0012% maximum allele frequency in non-founder control populations (PM2). Based on the current evidence, this variant is classified as pathogenic for autosomal dominant dilated cardiomyopathy 1G.

Labcorp Genetics (formerly Invitae), Labcorp
Classification: Pathogenic for Dilated cardiomyopathy 1G; Autosomal recessive limb-girdle muscular dystrophy type 2J. Last evaluated: 2025-08-11. Review status: criteria provided, single submitter. Criteria: Invitae Variant Classification Sherloc (09022015). Collection method: clinical testing. Allele origin: germline.
Comment: This sequence change creates a premature translational stop signal (p.Arg32836*) in the TTN gene. While this is not anticipated to result in nonsense mediated decay, it is expected to create a truncated TTN protein. This variant is present in population databases (no rsID available, gnomAD 0.0009%). This premature translational stop signal has been observed in individuals with autosomal dominant dilated cardiomyopathy and autosomal recessive centronuclear myopathy (PMID: 22335739, 29691892). This variant is also known as c.93583C>T p.Arg31195X. ClinVar contains an entry for this variant (Variation ID: 223329). This variant is located in the A band of TTN (PMID: 25589632). Truncating variants in this region are significantly overrepresented in patients affected with dilated cardiomyopathy (PMID: 25589632). Truncating variants in this region have also been reported in individuals affected with autosomal recessive centronuclear myopathy (PMID: 23975875). For these reasons, this variant has been classified as Pathogenic.

Revvity Omics, Revvity
Classification: Pathogenic. Last evaluated: 2025-06-17. Review status: criteria provided, single submitter. Criteria: ACMG Guidelines, 2015. Collection method: clinical testing. Allele origin: germline.

GeneDx
Classification: Pathogenic. Last evaluated: 2024-12-02. Review status: criteria provided, single submitter. Criteria: GeneDx Variant Classification Process June 2021. Collection method: clinical testing. Allele origin: germline.
Comment: Nonsense variant predicted to result in protein truncation or nonsense mediated decay in a gene for which loss of function is a known mechanism of disease; Located in the A-band region of TTN in which the majority of loss of function variants have been associated with autosomal dominant titinopathies (PMID: 22335739); Not observed at significant frequency in large population cohorts (gnomAD); This variant is associated with the following publications: (PMID: 36264615, 37652022, 22335739, 32778822, 25589632, 31983221, 35177841, 31251381, 29691892)

Ambry Genetics
Classification: Likely pathogenic for Cardiovascular phenotype. Last evaluated: 2024-07-25. Review status: criteria provided, single submitter. Criteria: Ambry Variant Classification Scheme 2023. Collection method: clinical testing. Allele origin: germline.
Comment: The c.71311C>T (p.R23771*) alteration, located in exon 180 (coding exon 179) of the TTN gene, consists of a C to T substitution at nucleotide position 71311. This changes the amino acid from an arginine (R) to a stop codon at amino acid position 23771. This alteration is expected to result in loss of function by premature protein truncation or nonsense-mediated mRNA decay. Based on data from gnomAD, the T allele has an overall frequency of 0.001% (2/248768) total alleles studied. The highest observed frequency was 0.002% (2/112558) of European (non-Finnish) alleles. This variant (also referred to as c.93583C>T, pArg31195* and c.98506C>T, p.R32836*) has been detected in individuals from dilated cardiomyopathy (DCM) cohorts (Herman, 2012; Roberts, 2015; Walsh, 2017), and in an individual with congenital contractures and hypotonia who harbored a second TTN variant (Oates, 2018). This exon is located in the A-band region of the N2-B isoform of the titin protein and is constitutively expressed in TTN transcripts (percent spliced in or PSI 100%). Based on the available evidence, this alteration is classified as likely pathogenic.

Molecular Diagnostic Laboratory for Inherited Cardiovascular Disease, Montreal Heart Institute
Classification: Pathogenic for Cardiovascular phenotype. Last evaluated: 2023-12-28. Review status: criteria provided, single submitter. Criteria: ACMG Guidelines, 2015. Collection method: clinical testing. Allele origin: germline. Affected: yes.
Comment: PVS1;PM2;PS4_supp;PP5

CHEO Genetics Diagnostic Laboratory, Children's Hospital of Eastern Ontario
Classification: Likely pathogenic for Cardiomyopathy. Last evaluated: 2021-12-22. Review status: criteria provided, single submitter. Criteria: ACMG Guidelines, 2015. Collection method: clinical testing. Allele origin: germline.

Cardiovascular Biomedical Research Unit, Royal Brompton & Harefield NHS Foundation Trust
Classification: Likely pathogenic for Primary dilated cardiomyopathy. Last evaluated: 2014-10-08. Review status: criteria provided, single submitter. Criteria: Roberts et al. 2015. Collection method: research. Allele origin: germline. Inheritance: Autosomal dominant inheritance. Affected: yes. Observed: 1 variant allele. Study: Endstage DCM.
Comment: In the seven cohorts assessed, TTNtv were found in 14% of ambulant DCM, 22% end-stage or familial DCM, and 2% controls. Heterozygous nonsense, frameshift and canonical splice-disrupting variants found in constitutive and other highly utilised exons are highly likely to be pathogenic when identified in individuals with phenotypically confirmed DCM. TTNtv found incidentally in healthy individuals (excluding familial assessment of DCM relatives) are thought to have low penetrance, particularly when identified in exons that are not constitutively expressed in the heart.

Cardiogenetics and Myogenetics Molecular and Cellular Functional Unit, Aphp Sorbonne University-Hopital Pitie Salpetriere
Classification: Pathogenic for Dilated cardiomyopathy 1G. Last evaluated: 2024-01-06. Review status: no assertion criteria provided. Collection method: clinical testing. Allele origin: germline. Affected: yes. Not counted in ClinVar's aggregate classification.

Literature cited by the submitters: PubMed 22335739 (cited by 3 submitters); PubMed 27869827 (cited by Variantyx, Inc.); PubMed 33226272 (cited by Variantyx, Inc.); PubMed 29691892 (cited by Labcorp Genetics (formerly Invitae), Labcorp and Ambry Genetics); PubMed 25589632 (cited by Labcorp Genetics (formerly Invitae), Labcorp and Ambry Genetics); PubMed 23975875 (cited by Labcorp Genetics (formerly Invitae), Labcorp); PubMed 27532257 (cited by Ambry Genetics).